The following is an entry in ClinVar:

ClinVar aggregate classification (germline): Pathogenic (1 of 4 stars; one submission).

Conditions:
Marfan syndrome (MFS). Also called: Marfan syndrome type 1; Marfan's syndrome; Marfan syndrome, classic; FBN1-Related Marfan Syndrome; MARFAN SYNDROME, TYPE I. Identifiers: Orphanet 284963, Orphanet 558, MedGen C0024796, MONDO:0007947, OMIM 154700.

Submission:

Zhou Lab, Center of Laboratory Medicine, Fuwai Hospital
Classification: Pathogenic for Marfan syndrome. Last evaluated: 2018-08-27. Review status: criteria provided, single submitter. Criteria: ACMG Guidelines, 2015. Collection method: research. Allele origin: unknown. Inheritance: Autosomal dominant inheritance. Affected: yes. Observed: 1 variant allele.
Comment: Deletion of exon 43 from gene FBN1.

NM_000138.4(FBN1):c.5225_5296del

Gene: FBN1 (fibrillin 1; minus strand). Cytogenetic location: 15q21.1.
Variant type: Deletion.
Coding change: c.5225_5296del on transcript NM_000138.4; coding-DNA positions 5225 to 5296, 72 bases deleted.
Genome position (GRCh38, 1-based): chr15:48,460,246-48,460,317, 72 bases deleted. GRCh37 (hg19): chr15:48,752,444-48,752,515.
Identifiers: ClinVar variation 560344 (VCV000560344.3), dbSNP rs1566902526, ClinGen allele CA658824305.